The following is an entry in ClinVar:

NM_004104.5(FASN):c.5837T>G (p.Ile1946Ser)

Gene: FASN (fatty acid synthase; minus strand). Cytogenetic location: 17q25.3.
Variant type: single nucleotide variant.
Coding change: c.5837T>G on transcript NM_004104.5 (MANE Select); coding-DNA position 5837, T replaced by G.
Protein change: p.Ile1946Ser; replaces isoleucine 1946 with serine.
Molecular consequence: missense variant.
Genome position (GRCh38, 1-based): chr17:82,082,609, A>C on the plus strand (T>G on the coding strand, the complement: FASN is on the minus strand). VCF-style: chr17-82082609-A-C. GRCh37 (hg19) VCF-style: chr17-80040485-A-C.
Other names: short protein forms I1946S.
Identifiers: ClinVar variation 855498 (VCV000855498.9), dbSNP rs1239709652, ClinGen allele CA401534997.
Genomic context (GRCh38, chr17:82,082,609, plus strand): 5'-CCCACGGGCCCAAGCTGCGCCGCCTCGGCAATGAGGCCCCGGGCCCCCTCCAGTGAGCTG[A>C]TGTTGCTGGTGGACACCTGCACCTGTACGCCCTGGCGCCTCCACCGGCGGACCTGCTTGG-3'
Protein context (NP_004095.4, residues 1936-1956): GVQVQVSTSN[Ile1946Ser]SSLEGARGLI

ClinVar aggregate classification (germline): Uncertain significance (1 of 4 stars; one submission).

Conditions:
Epileptic encephalopathy. Identifiers: MedGen C0543888, HP:0200134.

Allele frequency attached by ClinVar (database versions not stated): gnomAD 0.00001; TOPMed 0.00002.
gnomAD v4.1: 1 of 1,610,710 alleles (0.000062%); highest among the groups gnomAD compares: Admixed American, 0.0017%; no homozygotes.

Submission:

Labcorp Genetics (formerly Invitae), Labcorp
Classification: Uncertain significance for Epileptic encephalopathy. Last evaluated: 2022-04-21. Review status: criteria provided, single submitter. Criteria: Invitae Variant Classification Sherloc (09022015). Collection method: clinical testing. Allele origin: germline.
Comment: In summary, the available evidence is currently insufficient to determine the role of this variant in disease. Therefore, it has been classified as a Variant of Uncertain Significance. Algorithms developed to predict the effect of missense changes on protein structure and function are either unavailable or do not agree on the potential impact of this missense change (SIFT: "Deleterious"; PolyPhen-2: "Benign"; Align-GVGD: "Class C0"). ClinVar contains an entry for this variant (Variation ID: 855498). This variant has not been reported in the literature in individuals affected with FASN-related conditions. This variant is not present in population databases (gnomAD no frequency). This sequence change replaces isoleucine, which is neutral and non-polar, with serine, which is neutral and polar, at codon 1946 of the FASN protein (p.Ile1946Ser).